The following is an entry in ClinVar:

ClinVar aggregate classification (germline): Likely benign. Review status: criteria provided, multiple submitters, no conflicts (2 of 4 stars). 3 submissions from 3 submitters: Likely benign (3). Last evaluated 2024-06-17.

Conditions:
Familial cancer of breast. Also called: Hereditary breast cancer; BREAST CANCER, FAMILIAL; hereditary breast carcinoma. Identifiers: Orphanet 227535, MedGen C0346153, MONDO:0016419, OMIM 114480. Disease mechanism: loss of function.
Hereditary cancer-predisposing syndrome. Also called: Tumor predisposition; Neoplastic Syndromes, Hereditary; Hereditary Cancer Syndrome; Hereditary neoplastic syndrome. Identifiers: Orphanet 140162, MedGen C0027672, MeSH D009386, MONDO:0015356.
Ataxia-telangiectasia syndrome (AT). Also called: ATAXIA-TELANGIECTASIA, COMPLEMENTATION GROUP A; ATAXIA-TELANGIECTASIA, FRESNO VARIANT; Ataxia-telangiectasia; Ataxia-telangiectasia, complementation group D; AT, COMPLEMENTATION GROUP C; Ataxia-telangiectasia, complementation group E. Identifiers: Orphanet 100, MedGen C0004135, MONDO:0008840, OMIM 208900.

Submissions (3):

Myriad Genetics, Inc.
Classification: Likely benign for Familial cancer of breast. Last evaluated: 2024-06-17. Review status: criteria provided, single submitter. Criteria: Myriad Autosomal Dominant, Autosomal Recessive and X-Linked Classification Criteria (2023). Collection method: clinical testing. Allele origin: unknown.
Comment: This variant is considered likely benign. This variant is intronic and is not expected to impact mRNA splicing.

Labcorp Genetics (formerly Invitae), Labcorp
Classification: Likely benign for Ataxia-telangiectasia syndrome. Last evaluated: 2023-04-19. Review status: criteria provided, single submitter. Criteria: Invitae Variant Classification Sherloc (09022015). Collection method: clinical testing. Allele origin: germline.

Ambry Genetics
Classification: Likely benign for Hereditary cancer-predisposing syndrome. Last evaluated: 2021-12-23. Review status: criteria provided, single submitter. Criteria: Ambry Variant Classification Scheme 2023. Collection method: clinical testing. Allele origin: germline.

NM_000051.4(ATM):c.7928-4A>G

Genes: ATM (ATM serine/threonine kinase; plus strand), C11orf65 (chromosome 11 open reading frame 65; minus strand). Cytogenetic location: 11q22.3.
Variant type: single nucleotide variant.
Coding change: c.7928-4A>G on transcript NM_000051.4 (MANE Select); 4 bases into the intron before coding-DNA position 7928, A replaced by G.
Molecular consequence: intron variant.
Genome position (GRCh38, 1-based): chr11:108,333,882, A>G. VCF-style: chr11-108333882-A-G. GRCh37 (hg19) VCF-style: chr11-108204609-A-G.
Other names: c.7928-4A>G (NM_001351834.2); c.641-24811T>C (NM_001330368.2); c.*38+1338T>C (NM_001351110.2).
Identifiers: ClinVar variation 827337 (VCV000827337.14), dbSNP rs876658629, ClinGen allele CA915948305.